The following is an entry in ClinVar:

NM_000448.3(RAG1):c.2966A>G (p.Asp989Gly)

Gene: RAG1 (recombination activating 1; plus strand). Cytogenetic location: 11p12.
Variant type: single nucleotide variant.
Coding change: c.2966A>G on transcript NM_000448.3 (MANE Select); coding-DNA position 2966, A replaced by G.
Protein change: p.Asp989Gly; replaces aspartic acid 989 with glycine.
Molecular consequence: missense variant.
Genome position (GRCh38, 1-based): chr11:36,576,270, A>G. VCF-style: chr11-36576270-A-G. GRCh37 (hg19) VCF-style: chr11-36597820-A-G.
Other names: c.2966A>G, p.Asp989Gly (NM_001377277.1, NM_001377278.1, NM_001377279.1 and 1 more transcripts); short protein forms D989G.
Identifiers: ClinVar variation 2641726 (VCV002641726.24), dbSNP rs2494762877, ClinGen allele CA380136329.

ClinVar aggregate classification (germline): Uncertain significance (1 of 4 stars; one submission).

Submission:

CeGaT Center for Human Genetics Tuebingen
Classification: Uncertain significance. Last evaluated: 2023-08-01. Review status: criteria provided, single submitter. Criteria: CeGaT Center For Human Genetics Tuebingen Variant Classification Criteria Version 2. Collection method: clinical testing. Allele origin: germline. Affected: yes. Observed: 1 variant allele.
Comment: RAG1: PM2, PM5, PP3